The following is an entry in ClinVar:

NM_003119.4(SPG7):c.388C>T (p.Arg130Cys)

Gene: SPG7 (SPG7 matrix AAA peptidase subunit, paraplegin; plus strand). Cytogenetic location: 16q24.3.
Variant type: single nucleotide variant.
Coding change: c.388C>T on transcript NM_003119.4 (MANE Select); coding-DNA position 388, C replaced by T.
Protein change: p.Arg130Cys; replaces arginine 130 with cysteine.
Molecular consequence: missense variant.
Genome position (GRCh38, 1-based): chr16:89,524,017, C>T. VCF-style: chr16-89524017-C-T. GRCh37 (hg19) VCF-style: chr16-89590425-C-T.
Other names: p.R130C:CGC>TGC; c.388C>T, p.Arg130Cys (NM_001363850.1, NM_199367.3); short protein forms R130C.
Identifiers: ClinVar variation 215201 (VCV000215201.44), dbSNP rs863224217, ClinGen allele CA321353.
Genomic context (GRCh38, chr16:89,524,017, plus strand): 5'-TCTGTTGCTCATGTGTTTGTTTCTCCCTTTTGCTTCTCTGCCGGCTCAGAGGAGAGGAGA[C>T]GCCGTGAGCGGGACGACCAGATGTACCGAGAGCGGCTGCGCACCTTGCTGGTCATCGCGG-3'
Protein context (NP_003110.1, residues 120-140): APEEDEEERR[Arg130Cys]RERDDQMYRE

ClinVar aggregate classification (germline): Uncertain significance. Review status: criteria provided, multiple submitters, no conflicts (2 of 4 stars). 2 submissions from 2 submitters: Uncertain significance (2). Last evaluated 2017-04-01.

Allele frequency attached by ClinVar (database versions not stated): gnomAD exomes below 0.00001 and 0.00001; TOPMed below 0.00001; gnomAD 0.00002.

Submissions (2):

CeGaT Center for Human Genetics Tuebingen
Classification: Uncertain significance. Last evaluated: 2017-04-01. Review status: criteria provided, single submitter. Criteria: CeGaT Center For Human Genetics Tuebingen Variant Classification Criteria Version 2. Collection method: clinical testing. Allele origin: germline. Affected: yes. Observed: 1 variant allele.

GeneDx
Classification: Uncertain significance. Last evaluated: 2012-05-30. Review status: criteria provided, single submitter. Criteria: GeneDx Variant Classification (06012015). Collection method: clinical testing. Allele origin: germline. Affected: yes.
Comment: p.Arg130Cys (CGC>TGC): c.388 C>T in exon 4 of the SPG7 gene (NM_003119.2) A variant of unknown significance was identified in the SPG7 gene. The R130C missense change has not been published as a mutation, nor has it been reported as a benign polymorphism to our knowledge. The amino acid change is non-conservative in that a positively charged Arginine residue is replaced by an uncharged Cysteine residue. This change occurs at a position in the SPG7 gene that is not conserved. In silico analyses are not consistent in their predictions as to whether or not R130C is expected to be damaging to the SPG7 protein. Therefore, based on the currently available information it is unclear whether R130C is a disease-causing mutation or a rare benign variant The variant is found in MITONUC-MITOP panel(s).